The following is an entry in ClinVar:

ClinVar aggregate classification (germline): Uncertain significance. Review status: criteria provided, multiple submitters, no conflicts (2 of 4 stars). 2 submissions from 2 submitters: Uncertain significance (2). Last evaluated 2026-05-14.

Conditions:
Cardiovascular phenotype. Identifiers: MedGen CN230736.
Osteogenesis imperfecta type I (OI1). Also called: Lobstein disease; OI, TYPE I; OSTEOGENESIS IMPERFECTA TARDA; OSTEOGENESIS IMPERFECTA WITH BLUE SCLERAE; Osteogenesis imperfecta type 1; Lobstein's Disease. Identifiers: Orphanet 216796, Orphanet 666, MedGen C0023931, MONDO:0008146, OMIM 166200. Disease mechanism: loss of function.

gnomAD v4.1: 6 of 1,613,824 alleles (0.00037%); highest among the groups gnomAD compares: Non-Finnish European, 0.00051%; no homozygotes.

Submissions (2):

Ambry Genetics
Classification: Uncertain significance for Cardiovascular phenotype. Last evaluated: 2026-05-14. Review status: criteria provided, single submitter. Criteria: Ambry Variant Classification Scheme 2023. Collection method: clinical testing. Allele origin: germline.
Comment: The p.R370L variant (also known as c.1109G>T), located in coding exon 17 of the COL1A1 gene, results from a G to T substitution at nucleotide position 1109. The arginine at codon 370 is replaced by leucine, an amino acid with dissimilar properties. This amino acid position is conserved. In addition, this alteration is predicted to be deleterious by in silico analysis. Based on the available evidence, the clinical significance of this variant remains unclear.

Labcorp Genetics (formerly Invitae), Labcorp
Classification: Uncertain significance for Osteogenesis imperfecta type I. Last evaluated: 2023-08-19. Review status: criteria provided, single submitter. Criteria: Invitae Variant Classification Sherloc (09022015). Collection method: clinical testing. Allele origin: germline.
Comment: This sequence change replaces arginine, which is basic and polar, with leucine, which is neutral and non-polar, at codon 370 of the COL1A1 protein (p.Arg370Leu). This variant is not present in population databases (gnomAD no frequency). This variant has not been reported in the literature in individuals affected with COL1A1-related conditions. Advanced modeling of protein sequence and biophysical properties (such as structural, functional, and spatial information, amino acid conservation, physicochemical variation, residue mobility, and thermodynamic stability) performed at Invitae indicates that this missense variant is expected to disrupt COL1A1 protein function. In summary, the available evidence is currently insufficient to determine the role of this variant in disease. Therefore, it has been classified as a Variant of Uncertain Significance.

NM_000088.4(COL1A1):c.1109G>T (p.Arg370Leu)

Gene: COL1A1 (collagen type I alpha 1 chain; minus strand). Cytogenetic location: 17q21.33.
Variant type: single nucleotide variant.
Coding change: c.1109G>T on transcript NM_000088.4 (MANE Select); coding-DNA position 1109, G replaced by T.
Protein change: p.Arg370Leu; replaces arginine 370 with leucine.
Molecular consequence: missense variant.
Genome position (GRCh38, 1-based): chr17:50,195,613, C>A on the plus strand (G>T on the coding strand, the complement: COL1A1 is on the minus strand). VCF-style: chr17-50195613-C-A. GRCh37 (hg19) VCF-style: chr17-48272974-C-A.
Other names: short protein forms R370L.
Identifiers: ClinVar variation 2889886 (VCV002889886.4), dbSNP rs750756697, ClinGen allele CA400219871.